The following is an entry in ClinVar:

NM_020436.5(SALL4):c.2465G>A (p.Arg822Gln)

Gene: SALL4 (spalt like transcription factor 4; minus strand). Cytogenetic location: 20q13.2.
Variant type: single nucleotide variant.
Coding change: c.2465G>A on transcript NM_020436.5 (MANE Select); coding-DNA position 2465, G replaced by A.
Protein change: p.Arg822Gln; replaces arginine 822 with glutamine.
Molecular consequence: missense variant.
Genome position (GRCh38, 1-based): chr20:51,789,138, C>T on the plus strand (G>A on the coding strand, the complement: SALL4 is on the minus strand). VCF-style: chr20-51789138-C-T. GRCh37 (hg19) VCF-style: chr20-50405677-C-T.
Other names: c.1154G>A, p.Arg385Gln (NM_001318031.2); short protein forms R822Q, R385Q.
Identifiers: ClinVar variation 3157614 (VCV003157614.2), dbSNP rs754932119, ClinGen allele CA9912068.
Genomic context (GRCh38, chr20:51,789,138, plus strand): 5'-GGAACTTCAACCTTGACATAGGTCGGCGGGGCTCGGATAAACGTGGAAGGGAGACTGCTC[C>T]GACCTAGTACACAGAGGGGAAAAAAGCCAGACCTTTATCATCCAACCTTCATTCTTTCTC-3'
Protein context (NP_065169.1, residues 812-832): SENSRTEMEG[Arg822Gln]SSLPSTFIRA

ClinVar aggregate classification (germline): Uncertain significance. Review status: criteria provided, multiple submitters, no conflicts (2 of 4 stars). 2 submissions from 2 submitters: Uncertain significance (2). Last evaluated 2025-10-24.

Conditions:
Duane-radial ray syndrome (DRRS). Also called: Duane-Radial Ray Syndrome (DRRS) / Okihiro Syndrome; ACRORENOOCULAR SYNDROME; DR SYNDROME; DUANE ANOMALY WITH RADIAL RAY ABNORMALITIES AND DEAFNESS; Duane-Radial Ray Syndrome/Okihiro Syndrome; Okihiro Syndrome. Identifiers: Orphanet 93293, Orphanet 959, MedGen C1623209, MONDO:0011812, OMIM 607323. Disease mechanism: gain of function.
Inborn genetic diseases. Identifiers: MedGen C0950123, MeSH D030342.

gnomAD v4.1: 18 of 1,613,828 alleles (0.0011%); highest among the groups gnomAD compares: South Asian, 0.015%; no homozygotes.

Submissions (2):

Labcorp Genetics (formerly Invitae), Labcorp
Classification: Uncertain significance for Duane-radial ray syndrome. Last evaluated: 2025-10-24. Review status: criteria provided, single submitter. Criteria: Invitae Variant Classification Sherloc (09022015). Collection method: clinical testing. Allele origin: germline.
Comment: This sequence change replaces arginine, which is basic and polar, with glutamine, which is neutral and polar, at codon 822 of the SALL4 protein (p.Arg822Gln). This variant is present in population databases (rs754932119, gnomAD 0.02%). This variant has not been reported in the literature in individuals affected with SALL4-related conditions. ClinVar contains an entry for this variant (Variation ID: 3157614). An algorithm developed to predict the effect of missense changes on protein structure and function (PolyPhen-2) suggests that this variant is likely to be disruptive. In summary, the available evidence is currently insufficient to determine the role of this variant in disease. Therefore, it has been classified as a Variant of Uncertain Significance.

Ambry Genetics
Classification: Uncertain significance for Inborn genetic diseases. Last evaluated: 2024-03-07. Review status: criteria provided, single submitter. Criteria: Ambry Variant Classification Scheme 2023. Collection method: clinical testing. Allele origin: germline.